The following is an entry in ClinVar:

NM_003190.5(TAPBP):c.841C>G (p.Gln281Glu)

Gene: TAPBP (TAP binding protein; minus strand). Cytogenetic location: 6p21.32.
Variant type: single nucleotide variant.
Coding change: c.841C>G on transcript NM_003190.5 (MANE Select); coding-DNA position 841, C replaced by G.
Protein change: p.Gln281Glu; replaces glutamine 281 with glutamic acid.
Molecular consequence: missense variant.
Genome position (GRCh38, 1-based): chr6:33,305,016, G>C on the plus strand (C>G on the coding strand, the complement: TAPBP is on the minus strand). VCF-style: chr6-33305016-G-C. GRCh37 (hg19) VCF-style: chr6-33272793-G-C.
Other names: c.841C>G, p.Gln281Glu (NM_001410875.1, NM_172208.3); c.580C>G, p.Gln194Glu (NM_172209.3); short protein forms Q281E, Q194E.
Identifiers: ClinVar variation 3670851 (VCV003670851.2).

ClinVar aggregate classification (germline): Uncertain significance (1 of 4 stars; one submission).

Conditions:
MHC class I deficiency. Identifiers: Orphanet 34592, MedGen C6024714, MONDO:0011476.

Submission:

Labcorp Genetics (formerly Invitae), Labcorp
Classification: Uncertain significance for MHC class I deficiency 1. Last evaluated: 2025-01-17. Review status: criteria provided, single submitter. Criteria: Invitae Variant Classification Sherloc (09022015). Collection method: clinical testing. Allele origin: germline.
Comment: This sequence change replaces glutamine, which is neutral and polar, with glutamic acid, which is acidic and polar, at codon 281 of the TAPBP protein (p.Gln281Glu). This variant is not present in population databases (gnomAD no frequency). This variant has not been reported in the literature in individuals affected with TAPBP-related conditions. An algorithm developed to predict the effect of missense changes on protein structure and function (PolyPhen-2) suggests that this variant is likely to be disruptive. In summary, the available evidence is currently insufficient to determine the role of this variant in disease. Therefore, it has been classified as a Variant of Uncertain Significance.